The following is an entry in ClinVar:

NM_020921.4(NIN):c.1079C>T (p.Ala360Val)

Gene: NIN (ninein; minus strand). Cytogenetic location: 14q22.1.
Variant type: single nucleotide variant.
Coding change: c.1079C>T on transcript NM_020921.4 (MANE Select); coding-DNA position 1079, C replaced by T.
Protein change: p.Ala360Val; replaces alanine 360 with valine.
Molecular consequence: missense variant.
Genome position (GRCh38, 1-based): chr14:50,771,371, G>A on the plus strand (C>T on the coding strand, the complement: NIN is on the minus strand). VCF-style: chr14-50771371-G-A. GRCh37 (hg19) VCF-style: chr14-51238089-G-A.
Other names: c.1079C>T, p.Ala360Val (NM_016350.5, NM_182944.3, NM_182946.2); short protein forms A360V.
Identifiers: ClinVar variation 2197492 (VCV002197492.5), dbSNP rs769471241, ClinGen allele CA7182297.

ClinVar aggregate classification (germline): Uncertain significance (1 of 4 stars; one submission).

Allele frequency attached by ClinVar (database versions not stated): TOPMed 0.00003; gnomAD exomes 0.00004; ExAC 0.00006; gnomAD 0.00006; 1000 Genomes Project 30x 0.00016.
gnomAD v4.1: 66 of 1,614,174 alleles (0.0041%); highest among the groups gnomAD compares: Middle Eastern, 0.033%; no homozygotes.

Submissions (3):

Labcorp Genetics (formerly Invitae), Labcorp
Classification: Uncertain significance. Last evaluated: 2025-10-08. Review status: criteria provided, single submitter. Criteria: Invitae Variant Classification Sherloc (09022015). Collection method: clinical testing. Allele origin: germline.
Comment: This sequence change replaces alanine, which is neutral and non-polar, with valine, which is neutral and non-polar, at codon 360 of the NIN protein (p.Ala360Val). This variant is present in population databases (rs769471241, gnomAD 0.007%). This variant has not been reported in the literature in individuals affected with NIN-related conditions. ClinVar contains an entry for this variant (Variation ID: 2197492). An algorithm developed to predict the effect of missense changes on protein structure and function (PolyPhen-2) suggests that this variant is likely to be disruptive. In summary, the available evidence is currently insufficient to determine the role of this variant in disease. Therefore, it has been classified as a Variant of Uncertain Significance.

Dr. Peter K. Rogan Lab, Western University
No classification provided (evidence only). Condition: Lung cancer. Review status: no classification provided. Collection method: in vitro. Allele origin: not applicable. Functional consequence: retained intron. Not counted in ClinVar's aggregate classification.

Dr. Peter K. Rogan Lab, Western University
No classification provided (evidence only). Condition: Thyroid cancer, nonmedullary, 1. Review status: no classification provided. Collection method: in vitro. Allele origin: not applicable. Functional consequence: retained intron. Not counted in ClinVar's aggregate classification.